The following is an entry in ClinVar:

ClinVar aggregate classification (germline): Uncertain significance. Review status: criteria provided, multiple submitters, no conflicts (2 of 4 stars). 2 submissions from 2 submitters: Uncertain significance (2). Last evaluated 2025-08-02.

Conditions:
Inborn genetic diseases. Identifiers: MedGen C0950123, MeSH D030342.

Allele frequency attached by ClinVar (database versions not stated): gnomAD exomes below 0.00001; TOPMed below 0.00001; gnomAD 0.00001.
gnomAD v4.1: 4 of 1,614,096 alleles (0.00025%); highest among the groups gnomAD compares: Non-Finnish European, 0.00034%; no homozygotes.

Submissions (2):

Ambry Genetics
Classification: Uncertain significance for Inborn genetic diseases. Last evaluated: 2025-08-02. Review status: criteria provided, single submitter. Criteria: Ambry Variant Classification Scheme 2023. Collection method: clinical testing. Allele origin: germline.

Labcorp Genetics (formerly Invitae), Labcorp
Classification: Uncertain significance. Last evaluated: 2021-04-02. Review status: criteria provided, single submitter. Criteria: Invitae Variant Classification Sherloc (09022015). Collection method: clinical testing. Allele origin: germline.
Comment: This variant has not been reported in the literature in individuals with CAPN5-related conditions. This variant is not present in population databases (ExAC no frequency). This sequence change replaces glycine with alanine at codon 202 of the CAPN5 protein (p.Gly202Ala). The glycine residue is moderately conserved and there is a small physicochemical difference between glycine and alanine. In summary, the available evidence is currently insufficient to determine the role of this variant in disease. Therefore, it has been classified as a Variant of Uncertain Significance. Algorithms developed to predict the effect of missense changes on protein structure and function (SIFT, PolyPhen-2, Align-GVGD) all suggest that this variant is likely to be tolerated, but these predictions have not been confirmed by published functional studies and their clinical significance is uncertain.

NM_004055.5(CAPN5):c.605G>C (p.Gly202Ala)

Gene: CAPN5 (calpain 5; plus strand). Cytogenetic location: 11q13.5.
Variant type: single nucleotide variant.
Coding change: c.605G>C on transcript NM_004055.5 (MANE Select); coding-DNA position 605, G replaced by C.
Protein change: p.Gly202Ala; replaces glycine 202 with alanine.
Molecular consequence: missense variant.
Genome position (GRCh38, 1-based): chr11:77,114,340, G>C. VCF-style: chr11-77114340-G-C. GRCh37 (hg19) VCF-style: chr11-76825386-G-C.
Other names: c.605G>C (NM_004055.4); short protein forms G202A.
Identifiers: ClinVar variation 1024582 (VCV001024582.9), dbSNP rs1950445115, ClinGen allele CA381937978.
Genomic context (GRCh38, chr11:77,114,340, plus strand): 5'-CAGCAGACGCACTGGTGGACTTCACGGGTGGTGTTTCTGAGCCCATCGACCTGACCGAGG[G>C]TGACTTTGCCAACGATGAGACTAAGAGGAACCAGCTCTTTGAGCGCATGTTAAAGGTGCA-3'
Protein context (NP_004046.2, residues 192-212): GVSEPIDLTE[Gly202Ala]DFANDETKRN